The following is an entry in ClinVar:

ClinVar aggregate classification (germline): Likely benign (1 of 4 stars; one submission).

Submission:

CeGaT Center for Human Genetics Tuebingen
Classification: Likely benign. Last evaluated: 2026-09-01. Review status: criteria provided, single submitter. Criteria: CeGaT Center For Human Genetics Tuebingen Variant Classification Criteria Version 2. Collection method: clinical testing. Allele origin: germline. Affected: yes. Observed: 5 variant alleles.
Comment: CBL: BS2

NM_005188.3(CBL):c.-127_-125GGC[6]

Genes: CBL (Cbl proto-oncogene; plus strand), FRA11B (fragile site, folic acid type, rare, fra(11)(q23.3); plus strand), LOC130006894 (ATAC-STARR-seq lymphoblastoid silent region 3974; plus strand). Cytogenetic location: 11q23.3.
Variant type: Microsatellite.
Coding change: c.-127_-125GGC[6] on transcript NM_005188.3.
Genome position: GRCh38 VCF-style: chr11-119206289-CCGGCGGCGGCGGCGG-C. GRCh37 (hg19) VCF-style: chr11-119076999-CCGGCGGCGGCGGCGG-C.
Identifiers: ClinVar variation 4822643 (VCV004822643.4).